The following is an entry in ClinVar:

NM_020975.6(RET):c.810C>T (p.Pro270=)

Gene: RET (ret proto-oncogene; plus strand). Cytogenetic location: 10q11.21.
Variant type: single nucleotide variant.
Coding change: c.810C>T on transcript NM_020975.6 (MANE Select); coding-DNA position 810, C replaced by T.
Protein change: p.Pro270=; no amino-acid change (proline 270 retained).
Molecular consequence: synonymous variant. On other transcripts: intron variant (22).
Genome position (GRCh38, 1-based): chr10:43,105,136, C>T. VCF-style: chr10-43105136-C-T. GRCh37 (hg19) VCF-style: chr10-43600584-C-T.
Other names: c.810C>T, p.Pro270= (NM_000323.2, NM_001406743.1, NM_001406744.1 and 8 more transcripts); c.48C>T, p.Pro16= (NM_001355216.2); c.681C>T, p.Pro227= (NM_001406761.1, NM_001406762.1, NM_001406764.1 and 2 more transcripts); c.522C>T, p.Pro174= (NM_001406766.1, NM_001406767.1, NM_001406770.1); c.625+2507C>T (NM_001406773.1, NM_001406771.1, NM_001406782.1 and 5 more transcripts); c.496+2507C>T (NM_001406786.1, NM_001406783.1); c.338-3895C>T (NM_001406778.1, NM_001406775.1, NM_001406776.1 and 1 more transcripts); c.337+4414C>T (NM_001406790.1, NM_001406788.1, NM_001406789.1 and 1 more transcripts); and 2 more.
Identifiers: ClinVar variation 1577879 (VCV001577879.35), dbSNP rs1160403666, ClinGen allele CA469022604.

ClinVar aggregate classification (germline): Likely benign. Review status: criteria provided, multiple submitters, no conflicts (2 of 4 stars). 3 submissions from 3 submitters: Likely benign (3). Last evaluated 2022-12-01.

Conditions:
Hereditary cancer-predisposing syndrome. Also called: Neoplastic Syndromes, Hereditary; Hereditary neoplastic syndrome; Tumor predisposition; Hereditary Cancer Syndrome. Identifiers: Orphanet 140162, MedGen C0027672, MeSH D009386, MONDO:0015356.
Multiple endocrine neoplasia, type 2 (MEN2). Identifiers: Orphanet 653, MedGen C4048306, MONDO:0019003. Disease mechanism: gain of function.

Submissions (3):

CeGaT Center for Human Genetics Tuebingen
Classification: Likely benign. Last evaluated: 2022-12-01. Review status: criteria provided, single submitter. Criteria: CeGaT Center For Human Genetics Tuebingen Variant Classification Criteria Version 2. Collection method: clinical testing. Allele origin: germline. Affected: yes. Observed: 1 variant allele.
Comment: RET: PM2:Supporting, BP4, BP7

Ambry Genetics
Classification: Likely benign for Hereditary cancer-predisposing syndrome. Last evaluated: 2021-12-25. Review status: criteria provided, single submitter. Criteria: Ambry Variant Classification Scheme 2023. Collection method: clinical testing. Allele origin: germline.

Labcorp Genetics (formerly Invitae), Labcorp
Classification: Likely benign for Multiple endocrine neoplasia, type 2. Last evaluated: 2021-12-09. Review status: criteria provided, single submitter. Criteria: Invitae Variant Classification Sherloc (09022015). Collection method: clinical testing. Allele origin: germline.